The following is an entry in ClinVar:

ClinVar aggregate classification (germline): Likely pathogenic (1 of 4 stars; one submission).

Submission:

Ambry Genetics
Classification: Likely pathogenic. Last evaluated: 2025-10-21. Review status: criteria provided, single submitter. Criteria: Ambry Variant Classification Scheme 2023. Collection method: clinical testing. Allele origin: germline.
Comment: The c.85C>T (p.Q29*) alteration, located in exon 1 (coding exon 1) of the LRIG2 gene, consists of a C to T substitution at nucleotide position 85. This changes the amino acid from a glutamine (Q) to a stop codon at amino acid position 29. This alteration is expected to result in loss of function by premature protein truncation or nonsense-mediated mRNA decay. This variant was not reported in population-based cohorts in the Genome Aggregation Database (gnomAD). Based on the available evidence, this alteration is classified as likely pathogenic.

NM_014813.3(LRIG2):c.85C>T (p.Gln29Ter)

Gene: LRIG2 (leucine rich repeats and immunoglobulin like domains 2; plus strand). Cytogenetic location: 1p13.2.
Variant type: single nucleotide variant.
Coding change: c.85C>T on transcript NM_014813.3 (MANE Select); coding-DNA position 85, C replaced by T.
Protein change: p.Gln29Ter; replaces glutamine 29 with a stop codon.
Molecular consequence: nonsense. On other transcripts: 5 prime UTR variant (1).
Genome position (GRCh38, 1-based): chr1:113,073,491, C>T. VCF-style: chr1-113073491-C-T. GRCh37 (hg19) VCF-style: chr1-113616113-C-T.
Other names: c.-337C>T (NM_001312686.2); short protein forms Q29*.
Identifiers: ClinVar variation 4547402 (VCV004547402.1).